The following is an entry in ClinVar:

NM_006206.6(PDGFRA):c.878G>T (p.Arg293Leu)

Gene: PDGFRA (platelet derived growth factor receptor alpha; plus strand). Cytogenetic location: 4q12.
Variant type: single nucleotide variant.
Coding change: c.878G>T on transcript NM_006206.6 (MANE Select); coding-DNA position 878, G replaced by T.
Protein change: p.Arg293Leu; replaces arginine 293 with leucine.
Molecular consequence: missense variant.
Genome position (GRCh38, 1-based): chr4:54,267,407, G>T. VCF-style: chr4-54267407-G-T. GRCh37 (hg19) VCF-style: chr4-55133574-G-T.
Other names: c.878G>T, p.Arg293Leu (NM_001347827.2, NM_001347829.2); c.953G>T, p.Arg318Leu (NM_001347828.2); c.917G>T, p.Arg306Leu (NM_001347830.2); short protein forms R318L, R293L, R306L.
Identifiers: ClinVar variation 2798324 (VCV002798324.3), dbSNP rs373948582, ClinGen allele CA2922410.

ClinVar aggregate classification (germline): Uncertain significance (1 of 4 stars; one submission).

Conditions:
Gastrointestinal stromal tumor. Also called: Gastrointestinal stromal tumor, somatic; Gastrointestinal stroma tumor. Identifiers: Orphanet 44890, MedGen C0238198, MeSH D046152, MONDO:0011719, OMIM 606764, HP:0100723.

Allele frequency attached by ClinVar (database versions not stated): gnomAD 0.00001.
gnomAD v4.1: 1 of 1,614,044 alleles (0.000062%); highest among the groups gnomAD compares: African/African-American, 0.0013%; no homozygotes.

Submission:

Labcorp Genetics (formerly Invitae), Labcorp
Classification: Uncertain significance for Gastrointestinal stromal tumor. Last evaluated: 2024-01-31. Review status: criteria provided, single submitter. Criteria: Invitae Variant Classification Sherloc (09022015). Collection method: clinical testing. Allele origin: germline.
Comment: This sequence change replaces arginine, which is basic and polar, with leucine, which is neutral and non-polar, at codon 293 of the PDGFRA protein (p.Arg293Leu). The frequency data for this variant in the population databases is considered unreliable, as metrics indicate poor data quality at this position in the gnomAD database. This variant has not been reported in the literature in individuals affected with PDGFRA-related conditions. Advanced modeling of protein sequence and biophysical properties (such as structural, functional, and spatial information, amino acid conservation, physicochemical variation, residue mobility, and thermodynamic stability) performed at Invitae indicates that this missense variant is not expected to disrupt PDGFRA protein function with a negative predictive value of 80%. In summary, the available evidence is currently insufficient to determine the role of this variant in disease. Therefore, it has been classified as a Variant of Uncertain Significance.